The following is an entry in ClinVar:

ClinVar aggregate classification (germline): Likely benign. Review status: criteria provided, multiple submitters, no conflicts (2 of 4 stars). 3 submissions from 3 submitters: Likely benign (2). 1 of the submissions does not count toward it. Last evaluated 2026-07-01.

Conditions:
IRF2BPL-related disorder. Also called: IRF2BPL-related condition. Identifiers: MedGen CN381093.

Allele frequency attached by ClinVar (database versions not stated): ExAC 0.00029; ESP Exome Variant Server 0.00039; 1000 Genomes Project 30x 0.00047.
gnomAD v4.1: 100 of 1,592,166 alleles (0.0063%); highest among the groups gnomAD compares: African/African-American, 0.11%; no homozygotes.

Submissions (3):

CeGaT Center for Human Genetics Tuebingen
Classification: Likely benign. Last evaluated: 2026-07-01. Review status: criteria provided, single submitter. Criteria: CeGaT Center For Human Genetics Tuebingen Variant Classification Criteria Version 2. Collection method: clinical testing. Allele origin: germline. Affected: yes. Observed: 1 variant allele.
Comment: IRF2BPL: BP4, BP7, BS1

Blueprint Genetics
Classification: Likely benign. Last evaluated: 2023-12-05. Review status: criteria provided, single submitter. Criteria: ACMG Guidelines, 2015. Collection method: clinical testing. Allele origin: germline.

PreventionGenetics, part of Exact Sciences
Classification: Likely benign for IRF2BPL-related condition. Last evaluated: 2020-01-13. Review status: no assertion criteria provided. Collection method: clinical testing. Allele origin: germline. Not counted in ClinVar's aggregate classification.
Comment: This variant is classified as likely benign based on ACMG/AMP sequence variant interpretation guidelines (Richards et al. 2015 PMID: 25741868, with internal and published modifications).

NM_024496.4(IRF2BPL):c.726G>A (p.Pro242=)

Gene: IRF2BPL (interferon regulatory factor 2 binding protein like; minus strand). Cytogenetic location: 14q24.3.
Variant type: single nucleotide variant.
Coding change: c.726G>A on transcript NM_024496.4 (MANE Select); coding-DNA position 726, G replaced by A.
Protein change: p.Pro242=; no amino-acid change (proline 242 retained).
Molecular consequence: synonymous variant.
Genome position (GRCh38, 1-based): chr14:77,027,067, C>T on the plus strand (G>A on the coding strand, the complement: IRF2BPL is on the minus strand). VCF-style: chr14-77027067-C-T. GRCh37 (hg19) VCF-style: chr14-77493410-C-T.
Identifiers: ClinVar variation 3051046 (VCV003051046.4), dbSNP rs371799520, ClinGen allele CA7283856.